The following is an entry in ClinVar:

NM_001018111.3(PODXL):c.1539G>A (p.Leu513=)

Gene: PODXL (podocalyxin like; minus strand). Cytogenetic location: 7q32.3.
Variant type: single nucleotide variant.
Coding change: c.1539G>A on transcript NM_001018111.3 (MANE Select); coding-DNA position 1539, G replaced by A.
Protein change: p.Leu513=; no amino-acid change (leucine 513 retained).
Molecular consequence: synonymous variant.
Genome position (GRCh38, 1-based): chr7:131,504,449, C>T on the plus strand (G>A on the coding strand, the complement: PODXL is on the minus strand). VCF-style: chr7-131504449-C-T. GRCh37 (hg19) VCF-style: chr7-131189208-C-T.
Other names: p.Leu481=; c.1443G>A, p.Leu481= (NM_005397.4).
Identifiers: ClinVar variation 790357 (VCV000790357.36), dbSNP rs150526057, ClinGen allele CA4488323.

ClinVar aggregate classification (germline): Benign/Likely benign. Review status: criteria provided, multiple submitters, no conflicts (2 of 4 stars). 5 submissions from 5 submitters: Benign (2); Likely benign (2). 1 of the submissions does not count toward it. Last evaluated 2026-01-24.

Conditions:
PODXL-related disorder. Also called: PODXL-related condition.

Allele frequency attached by ClinVar (database versions not stated): 1000 Genomes Project 30x 0.00094; 1000 Genomes Project 0.00100; TOPMed 0.00247; gnomAD exomes 0.00249 and 0.00320; ExAC 0.00252; gnomAD 0.00271 and 0.00312; ESP Exome Variant Server 0.00384.
gnomAD v4.1: 5,103 of 1,613,732 alleles (0.32%); highest among the groups gnomAD compares: Non-Finnish European, 0.36%; 16 homozygotes.

Submissions (5):

Labcorp Genetics (formerly Invitae), Labcorp
Classification: Benign. Last evaluated: 2026-01-24. Review status: criteria provided, single submitter. Criteria: Invitae Variant Classification Sherloc (09022015). Collection method: clinical testing. Allele origin: germline.

Mayo Clinic Laboratories, Mayo Clinic
Classification: Likely benign. Last evaluated: 2024-10-18. Review status: criteria provided, single submitter. Criteria: ACMG Guidelines, 2015. Collection method: clinical testing. Allele origin: germline. Observed: 8 variant alleles.
Comment: BS2, BP4, BP7

CeGaT Center for Human Genetics Tuebingen
Classification: Likely benign. Last evaluated: 2023-12-01. Review status: criteria provided, single submitter. Criteria: CeGaT Center For Human Genetics Tuebingen Variant Classification Criteria Version 2. Collection method: clinical testing. Allele origin: germline. Affected: yes. Observed: 4 variant alleles.
Comment: PODXL: BP4, BP7

Breakthrough Genomics
Classification: Benign. Review status: criteria provided, single submitter. Criteria: ACMG Guidelines, 2015. Collection method: not provided. Allele origin: germline. Inheritance: Unknown mechanism. Affected: yes.

PreventionGenetics, part of Exact Sciences
Classification: Likely benign for PODXL-related condition. Last evaluated: 2019-04-17. Review status: no assertion criteria provided. Collection method: clinical testing. Allele origin: germline. Not counted in ClinVar's aggregate classification.
Comment: This variant is classified as likely benign based on ACMG/AMP sequence variant interpretation guidelines (Richards et al. 2015 PMID: 25741868, with internal and published modifications).